The following is an entry in ClinVar:

ClinVar aggregate classification (germline): Uncertain significance (1 of 4 stars; one submission).

Conditions:
Hereditary cancer-predisposing syndrome. Also called: Neoplastic Syndromes, Hereditary; Tumor predisposition; Hereditary neoplastic syndrome; Hereditary Cancer Syndrome. Identifiers: Orphanet 140162, MedGen C0027672, MeSH D009386, MONDO:0015356.

Submission:

Ambry Genetics
Classification: Uncertain significance for Hereditary cancer-predisposing syndrome. Last evaluated: 2023-01-26. Review status: criteria provided, single submitter. Criteria: Ambry Variant Classification Scheme 2023. Collection method: clinical testing. Allele origin: germline.
Comment: The p.P542S variant (also known as c.1624C>T), located in coding exon 8 of the ALK gene, results from a C to T substitution at nucleotide position 1624. The proline at codon 542 is replaced by serine, an amino acid with similar properties. This amino acid position is conserved. In addition, this alteration is predicted to be tolerated by in silico analysis. Since supporting evidence is limited at this time, the clinical significance of this alteration remains unclear.

NM_004304.5(ALK):c.1624C>T (p.Pro542Ser)

Gene: ALK (ALK receptor tyrosine kinase; minus strand). Cytogenetic location: 2p23.2.
Variant type: single nucleotide variant.
Coding change: c.1624C>T on transcript NM_004304.5 (MANE Select); coding-DNA position 1624, C replaced by T.
Protein change: p.Pro542Ser; replaces proline 542 with serine.
Molecular consequence: missense variant.
Genome position (GRCh38, 1-based): chr2:29,318,327, G>A on the plus strand (C>T on the coding strand, the complement: ALK is on the minus strand). VCF-style: chr2-29318327-G-A. GRCh37 (hg19) VCF-style: chr2-29541193-G-A.
Other names: short protein forms P542S.
Identifiers: ClinVar variation 2452120 (VCV002452120.2), dbSNP rs2148248016, ClinGen allele CA346470960.